The following is an entry in ClinVar:

ClinVar aggregate classification (germline): Conflicting classifications of pathogenicity. Review status: criteria provided, conflicting classifications (1 of 4 stars). 4 submissions from 4 submitters: Uncertain significance (3); Likely benign (1). Last evaluated 2026-09-23.

Conditions:
Alstrom syndrome (ALMS). Identifiers: Orphanet 64, MedGen C0268425, MONDO:0008763, OMIM 203800.
Cardiovascular phenotype. Identifiers: MedGen CN230736.

Allele frequency attached by ClinVar (database versions not stated): ExAC 0.00003; gnomAD 0.00062; 1000 Genomes Project 30x 0.00094.

Submissions (4):

GeneDx
Classification: Uncertain significance. Last evaluated: 2026-09-23. Review status: criteria provided, single submitter. Criteria: GeneDx Variant Classification Process June 2021. Collection method: clinical testing. Allele origin: germline.
Comment: Identified in a patient with dilated cardiomyopathy in published literature (PMID: 32746448); In silico analysis suggests that this missense variant does not alter protein structure/function; This variant is associated with the following publications: (PMID: 32746448)

Labcorp Genetics (formerly Invitae), Labcorp
Classification: Uncertain significance for Alstrom syndrome. Last evaluated: 2022-08-16. Review status: criteria provided, single submitter. Criteria: Invitae Variant Classification Sherloc (09022015). Collection method: clinical testing. Allele origin: germline.
Comment: This sequence change replaces valine, which is neutral and non-polar, with isoleucine, which is neutral and non-polar, at codon 1343 of the ALMS1 protein (p.Val1343Ile). The frequency data for this variant in the population databases is considered unreliable, as metrics indicate poor data quality at this position in the gnomAD database. This missense change has been observed in individual(s) with dilated cardiomyopathy (PMID: 32746448). ClinVar contains an entry for this variant (Variation ID: 449841). Algorithms developed to predict the effect of missense changes on protein structure and function output the following: SIFT: "Not Available"; PolyPhen-2: "Not Available"; Align-GVGD: "Not Available". The isoleucine amino acid residue is found in multiple mammalian species, which suggests that this missense change does not adversely affect protein function. In summary, the available evidence is currently insufficient to determine the role of this variant in disease. Therefore, it has been classified as a Variant of Uncertain Significance.

Fulgent Genetics
Classification: Uncertain significance for Alstrom syndrome. Last evaluated: 2022-05-14. Review status: criteria provided, single submitter. Criteria: ACMG Guidelines, 2015. Collection method: clinical testing. Allele origin: unknown.

Ambry Genetics
Classification: Likely benign for Cardiovascular phenotype. Last evaluated: 2019-02-27. Review status: criteria provided, single submitter. Criteria: Ambry Variant Classification Scheme 2023. Collection method: clinical testing. Allele origin: germline.

Literature cited by the submitters: PubMed 32746448 (cited by Labcorp Genetics (formerly Invitae), Labcorp).

NM_001378454.1(ALMS1):c.4024G>A (p.Val1342Ile)

Gene: ALMS1 (ALMS1 centrosome and basal body associated protein; plus strand). Cytogenetic location: 2p13.1.
Variant type: single nucleotide variant.
Coding change: c.4024G>A on transcript NM_001378454.1 (MANE Select); coding-DNA position 4024, G replaced by A.
Protein change: p.Val1342Ile; replaces valine 1342 with isoleucine.
Molecular consequence: missense variant.
Genome position (GRCh38, 1-based): chr2:73,450,551, G>A. VCF-style: chr2-73450551-G-A. GRCh37 (hg19) VCF-style: chr2-73677678-G-A.
Other names: c.4027G>A, p.Val1343Ile (NM_015120.4); short protein forms V1343I, V1342I.
Identifiers: ClinVar variation 449841 (VCV000449841.14), dbSNP rs751346260, ClinGen allele CA1713624.